The following is an entry in ClinVar:

NM_138615.3(DHX30):c.153A>G (p.Pro51=)

Gene: DHX30 (DExH-box helicase 30; plus strand). Cytogenetic location: 3p21.31.
Variant type: single nucleotide variant.
Coding change: c.153A>G on transcript NM_138615.3 (MANE Select); coding-DNA position 153, A replaced by G.
Protein change: p.Pro51=; no amino-acid change (proline 51 retained).
Molecular consequence: synonymous variant.
Genome position (GRCh38, 1-based): chr3:47,827,375, A>G. VCF-style: chr3-47827375-A-G. GRCh37 (hg19) VCF-style: chr3-47868865-A-G.
Other names: c.69A>G, p.Pro23= (NM_001330990.2); c.36A>G, p.Pro12= (NM_014966.4).
Identifiers: ClinVar variation 5039140 (VCV005039140.1).

ClinVar aggregate classification (germline): Likely benign (1 of 4 stars; one submission).

Submission:

CeGaT Center for Human Genetics Tuebingen
Classification: Likely benign. Last evaluated: 2026-09-01. Review status: criteria provided, single submitter. Criteria: CeGaT Center For Human Genetics Tuebingen Variant Classification Criteria Version 2. Collection method: clinical testing. Allele origin: germline. Affected: yes. Observed: 2 variant alleles.
Comment: DHX30: BP4, BP7